The following is an entry in ClinVar:

NM_000918.4(P4HB):c.512A>G (p.Gln171Arg)

Gene: P4HB (prolyl 4-hydroxylase subunit beta; minus strand). Cytogenetic location: 17q25.3.
Variant type: single nucleotide variant.
Coding change: c.512A>G on transcript NM_000918.4 (MANE Select); coding-DNA position 512, A replaced by G.
Protein change: p.Gln171Arg; replaces glutamine 171 with arginine.
Molecular consequence: missense variant.
Genome position (GRCh38, 1-based): chr17:81,855,254, T>C on the plus strand (A>G on the coding strand, the complement: P4HB is on the minus strand). VCF-style: chr17-81855254-T-C. GRCh37 (hg19) VCF-style: chr17-79813130-T-C.
Other names: short protein forms Q171R.
Identifiers: ClinVar variation 4700456 (VCV004700456.1).

ClinVar aggregate classification (germline): Uncertain significance (1 of 4 stars; one submission).

gnomAD v4.1: 2 of 1,613,904 alleles (0.00012%); highest among the groups gnomAD compares: Non-Finnish European, 0.00017%; no homozygotes.

Submission:

Labcorp Genetics (formerly Invitae), Labcorp
Classification: Uncertain significance. Last evaluated: 2025-12-13. Review status: criteria provided, single submitter. Criteria: Invitae Variant Classification Sherloc (09022015). Collection method: clinical testing. Allele origin: germline.
Comment: This sequence change replaces glutamine, which is neutral and polar, with arginine, which is basic and polar, at codon 171 of the P4HB protein (p.Gln171Arg). This variant is not present in population databases (gnomAD no frequency). This variant has not been reported in the literature in individuals affected with P4HB-related conditions. Invitae Evidence Modeling of protein sequence and biophysical properties (such as structural, functional, and spatial information, amino acid conservation, physicochemical variation, residue mobility, and thermodynamic stability) indicates that this missense variant is not expected to disrupt P4HB protein function with a negative predictive value of 80%. In summary, the available evidence is currently insufficient to determine the role of this variant in disease. Therefore, it has been classified as a Variant of Uncertain Significance.